The following is an entry in ClinVar:

NM_145239.3(PRRT2):c.224dup (p.Ala76fs)

Genes: MVP-DT (MVP divergent transcript; minus strand), PRRT2 (proline rich transmembrane protein 2; plus strand). Cytogenetic location: 16p11.2.
Variant type: Duplication.
Coding change: c.224dup on transcript NM_145239.3 (MANE Select); coding-DNA position 224, one base duplicated (C; older notation c.224dupC).
Protein change: p.Ala76fs; shifts the reading frame from alanine 76.
Molecular consequence: frameshift variant.
Genome position (GRCh38, 1-based): chr16:29,813,278, C duplicated; the last of 4 consecutive C bases (chr16:29,813,275-29,813,278); duplicating any one gives the same sequence. VCF-style (leftmost placement, unchanged base first): chr16-29813274-A-AC. GRCh37 (hg19) VCF-style: chr16-29824595-A-AC.
Other names: c.224dup, p.Ala76fs (NM_001256442.2, NM_001256443.2); short protein forms A76fs.
Identifiers: ClinVar variation 1389708 (VCV001389708.6), dbSNP rs2142423194, ClinGen allele CA2573152276.

ClinVar aggregate classification (germline): Pathogenic (1 of 4 stars; one submission).

Conditions:
Episodic kinesigenic dyskinesia (EKD). Also called: Paroxysmal kinesigenic dyskinesia. Identifiers: Orphanet 98809, MedGen C1868682, MONDO:0044202.

Submission:

Labcorp Genetics (formerly Invitae), Labcorp
Classification: Pathogenic for Episodic kinesigenic dyskinesia. Last evaluated: 2022-02-02. Review status: criteria provided, single submitter. Criteria: Invitae Variant Classification Sherloc (09022015). Collection method: clinical testing. Allele origin: germline.
Comment: For these reasons, this variant has been classified as Pathogenic. This variant has not been reported in the literature in individuals affected with PRRT2-related conditions. This variant is not present in population databases (gnomAD no frequency). This sequence change creates a premature translational stop signal (p.Ala76Glyfs*58) in the PRRT2 gene. It is expected to result in an absent or disrupted protein product. Loss-of-function variants in PRRT2 are known to be pathogenic (PMID: 22623405, 22744660).

Literature cited by the submitters: PubMed 22623405; PubMed 22744660.